The following is an entry in ClinVar:

NM_020207.7(ERCC6L2):c.1910T>G (p.Val637Gly)

Gene: ERCC6L2 (ERCC excision repair 6 like 2; plus strand). Cytogenetic location: 9q22.32.
Variant type: single nucleotide variant.
Coding change: c.1910T>G on transcript NM_020207.7 (MANE Select); coding-DNA position 1910, T replaced by G.
Protein change: p.Val637Gly; replaces valine 637 with glycine.
Molecular consequence: missense variant. On other transcripts: non-coding transcript variant (1).
Genome position (GRCh38, 1-based): chr9:95,955,976, T>G. VCF-style: chr9-95955976-T-G. GRCh37 (hg19) VCF-style: chr9-98718258-T-G.
Other names: c.1910T>G, p.Val637Gly (NM_001010895.4, NM_001375291.1, NM_001375292.1 and 2 more transcripts); short protein forms V637G.
Identifiers: ClinVar variation 3845991 (VCV003845991.1).
Genomic context (GRCh38, chr9:95,955,976, plus strand): 5'-CATATAGGATTGGACAATGTAGAGATGTCAAAGTGCTTAGGCTGATATCCTTGGGAACTG[T>G]GGAGGAAATCATGTATTTACGACAGATATACAAGCAGGTAAATATGTTTCCCTTTTTCTG-3'
Protein context (NP_064592.3, residues 627-647): KVLRLISLGT[Val637Gly]EEIMYLRQIY

ClinVar aggregate classification (germline): Uncertain significance (1 of 4 stars; one submission).

Conditions:
Inborn genetic diseases. Identifiers: MedGen C0950123, MeSH D030342.

Submission:

Ambry Genetics
Classification: Uncertain significance for Inborn genetic diseases. Last evaluated: 2025-03-14. Review status: criteria provided, single submitter. Criteria: Ambry Variant Classification Scheme 2023. Collection method: clinical testing. Allele origin: germline.
Comment: The p.V637G variant (also known as c.1910T>G), located in coding exon 13 of the ERCC6L2 gene, results from a T to G substitution at nucleotide position 1910. The valine at codon 637 is replaced by glycine, an amino acid with dissimilar properties. This amino acid position is conserved. In addition, this alteration is predicted to be deleterious by in silico analysis. Based on the available evidence, the clinical significance of this variant remains unclear.